The following is an entry in ClinVar:

NM_030653.4(DDX11):c.500G>C (p.Arg167Thr)

Gene: DDX11 (DEAD/H-box helicase 11; plus strand). Cytogenetic location: 12p11.21.
Variant type: single nucleotide variant.
Coding change: c.500G>C on transcript NM_030653.4 (MANE Select); coding-DNA position 500, G replaced by C.
Protein change: p.Arg167Thr; replaces arginine 167 with threonine.
Molecular consequence: missense variant. On other transcripts: non-coding transcript variant (4), 5 prime UTR variant (5).
Genome position (GRCh38, 1-based): chr12:31,084,988, G>C. VCF-style: chr12-31084988-G-C. GRCh37 (hg19) VCF-style: chr12-31237922-G-C.
Other names: c.500G>C, p.Arg167Thr (NM_004399.3, NM_152438.2, NM_001413695.1 and 5 more transcripts); c.422G>C, p.Arg141Thr (NM_001413697.1, NM_001413698.1, NM_001413699.1 and 1 more transcripts); c.413G>C, p.Arg138Thr (NM_001413700.1); c.-29G>C (NM_001413702.1, NM_001413703.1); c.-561G>C (NM_001413704.1, NM_001413705.1); c.-379G>C (NM_001413706.1); short protein forms R138T, R141T, R167T.
Identifiers: ClinVar variation 4535696 (VCV004535696.1).

ClinVar aggregate classification (germline): Uncertain significance (1 of 4 stars; one submission).

Submission:

Women's Health and Genetics/Laboratory Corporation of America, LabCorp
Classification: Uncertain significance. Last evaluated: 2025-09-05. Review status: criteria provided, single submitter. Criteria: LabCorp Variant Classification Summary - May 2015. Collection method: clinical testing. Allele origin: germline.
Comment: Variant summary: DDX11 c.500G>C (p.Arg167Thr) results in a non-conservative amino acid change in the encoded protein sequence. Algorithms developed to predict the effect of missense changes on protein structure and function are either unavailable or do not agree on the potential impact of this missense change. The variant allele was found at a frequency of 4.2e-06 in 236458 control chromosomes. The available data on variant occurrences in the general population are insufficient to allow any conclusion about variant significance. To our knowledge, no occurrence of c.500G>C in individuals affected with DDX11-related conditions and no experimental evidence demonstrating its impact on protein function have been reported. No submitters have cited clinical-significance assessments for this variant to ClinVar. Based on the evidence outlined above, the variant was classified as uncertain significance.